The following is an entry in ClinVar:

NM_014319.5(LEMD3):c.817dup (p.Arg273fs)

Gene: LEMD3 (LEM domain containing 3; plus strand). Cytogenetic location: 12q14.3.
Variant type: Duplication.
Coding change: c.817dup on transcript NM_014319.5 (MANE Select); coding-DNA position 817, one base duplicated (A; older notation c.817dupA).
Protein change: p.Arg273fs; shifts the reading frame from arginine 273.
Molecular consequence: frameshift variant.
Genome position (GRCh38, 1-based): chr12:65,170,413, A duplicated. VCF-style (leftmost placement, unchanged base first): chr12-65170412-C-CA. GRCh37 (hg19) VCF-style: chr12-65564192-C-CA.
Other names: c.817dup, p.Arg273fs (NM_001167614.2); short protein forms R273fs.
Identifiers: ClinVar variation 1073100 (VCV001073100.7), dbSNP rs2136313078, ClinGen allele CA2499221838.

ClinVar aggregate classification (germline): Pathogenic (1 of 4 stars; one submission).

Submission:

Labcorp Genetics (formerly Invitae), Labcorp
Classification: Pathogenic. Last evaluated: 2023-07-27. Review status: criteria provided, single submitter. Criteria: Invitae Variant Classification Sherloc (09022015). Collection method: clinical testing. Allele origin: germline.
Comment: This sequence change creates a premature translational stop signal (p.Arg273Lysfs*19) in the LEMD3 gene. It is expected to result in an absent or disrupted protein product. Loss-of-function variants in LEMD3 are known to be pathogenic (PMID: 15489854, 19438932). This variant is not present in population databases (gnomAD no frequency). This premature translational stop signal has been observed in individual(s) with LEMD3-related conditions (Invitae). ClinVar contains an entry for this variant (Variation ID: 1073100). For these reasons, this variant has been classified as Pathogenic.

Literature cited by the submitters: PubMed 15489854; PubMed 19438932.